The following is an entry in ClinVar:

NM_006506.5(RASA2):c.1690A>G (p.Thr564Ala)

Gene: RASA2 (RAS p21 protein activator 2; plus strand). Cytogenetic location: 3q23.
Variant type: single nucleotide variant.
Coding change: c.1690A>G on transcript NM_006506.5 (MANE Select); coding-DNA position 1690, A replaced by G.
Protein change: p.Thr564Ala; replaces threonine 564 with alanine.
Molecular consequence: missense variant.
Genome position (GRCh38, 1-based): chr3:141,581,115, A>G. VCF-style: chr3-141581115-A-G. GRCh37 (hg19) VCF-style: chr3-141299957-A-G.
Other names: c.1690A>G, p.Thr564Ala (NM_001303245.3, NM_001303246.3); short protein forms T564A.
Identifiers: ClinVar variation 3620267 (VCV003620267.2).

ClinVar aggregate classification (germline): Uncertain significance (1 of 4 stars; one submission).

gnomAD v4.1: 12 of 1,537,878 alleles (0.00078%); highest among the groups gnomAD compares: Non-Finnish European, 0.001%; no homozygotes.

Submission:

Labcorp Genetics (formerly Invitae), Labcorp
Classification: Uncertain significance. Last evaluated: 2024-12-17. Review status: criteria provided, single submitter. Criteria: Invitae Variant Classification Sherloc (09022015). Collection method: clinical testing. Allele origin: germline.
Comment: This sequence change replaces threonine, which is neutral and polar, with alanine, which is neutral and non-polar, at codon 564 of the RASA2 protein (p.Thr564Ala). The frequency data for this variant in the population databases is considered unreliable, as metrics indicate poor data quality at this position in the gnomAD database. This variant has not been reported in the literature in individuals affected with RASA2-related conditions. Invitae Evidence Modeling of protein sequence and biophysical properties (such as structural, functional, and spatial information, amino acid conservation, physicochemical variation, residue mobility, and thermodynamic stability) indicates that this missense variant is not expected to disrupt RASA2 protein function with a negative predictive value of 80%. In summary, the available evidence is currently insufficient to determine the role of this variant in disease. Therefore, it has been classified as a Variant of Uncertain Significance.